The following is an entry in ClinVar:

ClinVar aggregate classification (germline): Uncertain significance (1 of 4 stars; one submission).

Conditions:
Duchenne muscular dystrophy (DMD). Also called: MUSCULAR DYSTROPHY, PSEUDOHYPERTROPHIC PROGRESSIVE, DUCHENNE TYPE; Duchenne Muscular Dystrophy (DMD). Identifiers: Orphanet 98896, MedGen C0013264, MONDO:0010679, OMIM 310200.

Allele frequency attached by ClinVar (database versions not stated): gnomAD exomes below 0.00001; gnomAD 0.00001.
gnomAD v4.1: 3 of 1,205,193 alleles (0.00025%); highest among the groups gnomAD compares: African/African-American, 0.0018%; no homozygotes.

Submission:

Labcorp Genetics (formerly Invitae), Labcorp
Classification: Uncertain significance for Duchenne muscular dystrophy. Last evaluated: 2025-05-26. Review status: criteria provided, single submitter. Criteria: Invitae Variant Classification Sherloc (09022015). Collection method: clinical testing. Allele origin: germline.
Comment: This sequence change replaces glutamic acid, which is acidic and polar, with lysine, which is basic and polar, at codon 3277 of the DMD protein (p.Glu3277Lys). This variant is not present in population databases (gnomAD no frequency). This variant has not been reported in the literature in individuals affected with DMD-related conditions. ClinVar contains an entry for this variant (Variation ID: 2042640). Invitae Evidence Modeling of protein sequence and biophysical properties (such as structural, functional, and spatial information, amino acid conservation, physicochemical variation, residue mobility, and thermodynamic stability) indicates that this missense variant is not expected to disrupt DMD protein function with a negative predictive value of 95%. In summary, the available evidence is currently insufficient to determine the role of this variant in disease. Therefore, it has been classified as a Variant of Uncertain Significance.

NM_004006.3(DMD):c.9829G>A (p.Glu3277Lys)

Gene: DMD (dystrophin; minus strand). Cytogenetic location: Xp21.2.
Variant type: single nucleotide variant.
Coding change: c.9829G>A on transcript NM_004006.3 (MANE Select); coding-DNA position 9829, G replaced by A.
Protein change: p.Glu3277Lys; replaces glutamic acid 3277 with lysine.
Molecular consequence: missense variant.
Genome position (GRCh38, 1-based): chrX:31,182,883, C>T on the plus strand (G>A on the coding strand, the complement: DMD is on the minus strand). VCF-style: chrX-31182883-C-T. GRCh37 (hg19) VCF-style: chrX-31201000-C-T.
Other names: c.9805G>A, p.Glu3269Lys (NM_000109.4); c.9817G>A, p.Glu3273Lys (NM_004009.3); c.9460G>A, p.Glu3154Lys (NM_004010.3); c.5806G>A, p.Glu1936Lys (NM_004011.4); c.5797G>A, p.Glu1933Lys (NM_004012.4); c.2449G>A, p.Glu817Lys (NM_004013.3, NM_004020.4, NM_004021.3 and 2 more transcripts); c.1642G>A, p.Glu548Lys (NM_004014.3); c.625G>A, p.Glu209Lys (NM_004015.3, NM_004016.3, NM_004017.3 and 2 more transcripts); short protein forms E3269K, E1933K, E209K, E3273K, E3277K, E548K, E1936K, E817K.
Identifiers: ClinVar variation 2042640 (VCV002042640.4), dbSNP rs1602456175, ClinGen allele CA412653616.